The following is an entry in ClinVar:

ClinVar aggregate classification (germline): Benign. Review status: criteria provided, single submitter (1 of 4 stars). 2 submissions from 2 submitters: Benign (1). 1 of the submissions does not count toward it. Last evaluated 2026-01-25.

Conditions:
PGAP3-related disorder. Also called: PGAP3-related condition.

Allele frequency attached by ClinVar (database versions not stated): ESP Exome Variant Server 0.00054; gnomAD 0.00140; TOPMed 0.00140; 1000 Genomes Project 30x 0.00203; 1000 Genomes Project 0.00240.
gnomAD v4.1: 1,160 of 1,614,056 alleles (0.072%); highest among the groups gnomAD compares: East Asian, 1.9%; 8 homozygotes.

Submissions (2):

Labcorp Genetics (formerly Invitae), Labcorp
Classification: Benign. Last evaluated: 2026-01-25. Review status: criteria provided, single submitter. Criteria: Invitae Variant Classification Sherloc (09022015). Collection method: clinical testing. Allele origin: germline.

PreventionGenetics, part of Exact Sciences
Classification: Likely benign for PGAP3-related condition. Last evaluated: 2020-05-15. Review status: no assertion criteria provided. Collection method: clinical testing. Allele origin: germline. Not counted in ClinVar's aggregate classification.
Comment: This variant is classified as likely benign based on ACMG/AMP sequence variant interpretation guidelines (Richards et al. 2015 PMID: 25741868, with internal and published modifications).

NM_033419.5(PGAP3):c.683A>G (p.Asn228Ser)

Gene: PGAP3 (post-GPI attachment to proteins phospholipase 3; minus strand). Cytogenetic location: 17q12.
Variant type: single nucleotide variant.
Coding change: c.683A>G on transcript NM_033419.5 (MANE Select); coding-DNA position 683, A replaced by G.
Protein change: p.Asn228Ser; replaces asparagine 228 with serine.
Molecular consequence: missense variant. On other transcripts: intron variant (3).
Genome position (GRCh38, 1-based): chr17:39,673,525, T>C on the plus strand (A>G on the coding strand, the complement: PGAP3 is on the minus strand). VCF-style: chr17-39673525-T-C. GRCh37 (hg19) VCF-style: chr17-37829778-T-C.
Other names: c.530A>G, p.Asn177Ser (NM_001291726.2); c.620A>G, p.Asn207Ser (NM_001291728.2); c.433-659A>G (NM_001291733.2); c.494+468A>G (NM_001291732.2); c.557+468A>G (NM_001291730.2); short protein forms N177S, N207S, N228S.
Identifiers: ClinVar variation 715314 (VCV000715314.12), dbSNP rs142596676, ClinGen allele CA8533277.